The following is an entry in ClinVar:

ClinVar aggregate classification (germline): Uncertain significance (1 of 4 stars; one submission).

Conditions:
Glycogen storage disease IXc (GSD9C). Also called: GSD IXc. Identifiers: Orphanet 264580, MedGen C2751643, MONDO:0013091, OMIM 613027.

gnomAD v4.1: 1 of 1,613,882 alleles (0.000062%); highest among the groups gnomAD compares: Admixed American, 0.0017%; no homozygotes.

Submission:

Labcorp Genetics (formerly Invitae), Labcorp
Classification: Uncertain significance for Glycogen storage disease IXc. Last evaluated: 2022-04-01. Review status: criteria provided, single submitter. Criteria: Invitae Variant Classification Sherloc (09022015). Collection method: clinical testing. Allele origin: germline.
Comment: This sequence change replaces threonine, which is neutral and polar, with serine, which is neutral and polar, at codon 303 of the PHKG2 protein (p.Thr303Ser). This variant is not present in population databases (gnomAD no frequency). This variant has not been reported in the literature in individuals affected with PHKG2-related conditions. Advanced modeling of protein sequence and biophysical properties (such as structural, functional, and spatial information, amino acid conservation, physicochemical variation, residue mobility, and thermodynamic stability) performed at Invitae indicates that this missense variant is not expected to disrupt PHKG2 protein function. In summary, the available evidence is currently insufficient to determine the role of this variant in disease. Therefore, it has been classified as a Variant of Uncertain Significance.

NM_000294.3(PHKG2):c.908C>G (p.Thr303Ser)

Gene: PHKG2 (phosphorylase kinase catalytic subunit gamma 2; plus strand). Cytogenetic location: 16p11.2.
Variant type: single nucleotide variant.
Coding change: c.908C>G on transcript NM_000294.3 (MANE Select); coding-DNA position 908, C replaced by G.
Protein change: p.Thr303Ser; replaces threonine 303 with serine.
Molecular consequence: missense variant.
Genome position (GRCh38, 1-based): chr16:30,756,696, C>G. VCF-style: chr16-30756696-C-G. GRCh37 (hg19) VCF-style: chr16-30768017-C-G.
Other names: c.908C>G, p.Thr303Ser (NM_001172432.2); short protein forms T303S.
Identifiers: ClinVar variation 1922682 (VCV001922682.2), dbSNP rs755298493, ClinGen allele CA395659526.
Genomic context (GRCh38, chr16:30,756,696, plus strand): 5'-AGCAGGCCCTACAGCACCCCTTCTTTGAGCGTTGTGAAGGCAGCCAACCCTGGAACCTCA[C>G]CCCCCGCCAGCGGTTCCGGGTAAGCCTGAGTGTATCAGGGTCTGGGCCCGTTTCTCTGTC-3'
Protein context (NP_000285.1, residues 293-313): RCEGSQPWNL[Thr303Ser]PRQRFRVAVW